The following is an entry in ClinVar:

NM_001145026.2(PTPRQ):c.172C>A (p.Pro58Thr)

Gene: PTPRQ (protein tyrosine phosphatase receptor type Q; plus strand). Cytogenetic location: 12q21.31.
Variant type: single nucleotide variant.
Coding change: c.172C>A on transcript NM_001145026.2 (MANE Select); coding-DNA position 172, C replaced by A.
Protein change: p.Pro58Thr; replaces proline 58 with threonine.
Molecular consequence: missense variant.
Genome position (GRCh38, 1-based): chr12:80,445,499, C>A. VCF-style: chr12-80445499-C-A. GRCh37 (hg19) VCF-style: chr12-80839279-C-A.
Other names: short protein forms P58T.
Identifiers: ClinVar variation 2571691 (VCV002571691.1), dbSNP rs1262957793, ClinGen allele CA385866342.

ClinVar aggregate classification (germline): Uncertain significance (1 of 4 stars; one submission).

Allele frequency attached by ClinVar (database versions not stated): gnomAD exomes below 0.00001; gnomAD 0.00001.
gnomAD v4.1: 7 of 1,534,358 alleles (0.00046%); highest among the groups gnomAD compares: Non-Finnish European, 0.00061%; no homozygotes.

Submission:

GeneDx
Classification: Uncertain significance. Last evaluated: 2023-01-10. Review status: criteria provided, single submitter. Criteria: GeneDx Variant Classification Process June 2021. Collection method: clinical testing. Allele origin: germline. Affected: yes.
Comment: Not observed at significant frequency in large population cohorts (gnomAD); In silico analysis supports that this missense variant does not alter protein structure/function; Has not been previously published as pathogenic or benign to our knowledge